The following is an entry in ClinVar:

ClinVar aggregate classification (germline): Uncertain significance (1 of 4 stars; one submission).

Conditions:
Hereditary cancer-predisposing syndrome. Also called: Neoplastic Syndromes, Hereditary; Tumor predisposition; Hereditary Cancer Syndrome; Hereditary neoplastic syndrome. Identifiers: Orphanet 140162, MedGen C0027672, MeSH D009386, MONDO:0015356.

Submission:

Ambry Genetics
Classification: Uncertain significance for Hereditary cancer-predisposing syndrome. Last evaluated: 2022-04-28. Review status: criteria provided, single submitter. Criteria: Ambry Variant Classification Scheme 2023. Collection method: clinical testing. Allele origin: germline.
Comment: The p.V114G variant (also known as c.341T>G), located in coding exon 2 of the PTCH1 gene, results from a T to G substitution at nucleotide position 341. The valine at codon 114 is replaced by glycine, an amino acid with dissimilar properties. This amino acid position is conserved. In addition, this alteration is predicted to be deleterious by in silico analysis. Since supporting evidence is limited at this time, the clinical significance of this alteration remains unclear.

NM_000264.5(PTCH1):c.341T>G (p.Val114Gly)

Gene: PTCH1 (patched 1; minus strand). Cytogenetic location: 9q22.32.
Variant type: single nucleotide variant.
Coding change: c.341T>G on transcript NM_000264.5 (MANE Select); coding-DNA position 341, T replaced by G.
Protein change: p.Val114Gly; replaces valine 114 with glycine.
Molecular consequence: missense variant. On other transcripts: 5 prime UTR variant (4), non-coding transcript variant (1).
Genome position (GRCh38, 1-based): chr9:95,506,460, A>C on the plus strand (T>G on the coding strand, the complement: PTCH1 is on the minus strand). VCF-style: chr9-95506460-A-C. GRCh37 (hg19) VCF-style: chr9-98268742-A-C.
Other names: c.143T>G, p.Val48Gly (NM_001083602.3, NM_001354919.2); c.338T>G, p.Val113Gly (NM_001083603.3); c.-113T>G (NM_001083604.3, NM_001083605.3, NM_001083606.3 and 1 more transcripts); c.341T>G, p.Val114Gly (NM_001354918.2); short protein forms V113G, V48G, V114G.
Identifiers: ClinVar variation 1731254 (VCV001731254.2), dbSNP rs752665265, ClinGen allele CA374120240.